The following is an entry in ClinVar:

NM_001903.5(CTNNA1):c.1259C>A (p.Ala420Asp)

Gene: CTNNA1 (catenin alpha 1; plus strand). Cytogenetic location: 5q31.2.
Variant type: single nucleotide variant.
Coding change: c.1259C>A on transcript NM_001903.5 (MANE Select); coding-DNA position 1259, C replaced by A.
Protein change: p.Ala420Asp; replaces alanine 420 with aspartic acid.
Molecular consequence: missense variant. On other transcripts: 5 prime UTR variant (5), intron variant (2).
Genome position (GRCh38, 1-based): chr5:138,887,605, C>A. VCF-style: chr5-138887605-C-A. GRCh37 (hg19) VCF-style: chr5-138223294-C-A.
Other names: c.1259C>A, p.Ala420Asp (NM_001290307.3, NM_001323985.2, NM_001323986.2 and 3 more transcripts); c.149C>A, p.Ala50Asp (NM_001290312.1, NM_001323987.1, NM_001323988.1 and 18 more transcripts); c.890C>A, p.Ala297Asp (NM_001290310.3); c.950C>A, p.Ala317Asp (NM_001290309.3); c.-249C>A (NM_001324006.1, NM_001324007.1, NM_001324008.1 and 1 more transcripts); c.-124C>A (NM_001324013.1); c.-58+12008C>A (NM_001324012.1); c.-61+12008C>A (NM_001324010.1); and 1 more; short protein forms A297D, A420D, A317D, A50D.
Identifiers: ClinVar variation 2819974 (VCV002819974.4), dbSNP rs1754354782, ClinGen allele CA361133195.
Genomic context (GRCh38, chr5:138,887,605, plus strand): 5'-CACTTTTGGTATTGATTGAAGCTGCAAAGAATGGAAATGAGAAAGAAGTTAAGGAGTATG[C>A]CCAAGTTTTCCGTGAACATGCCAACAAATTGATTGAGGTAAGTGAATTAGCAGTTTCATT-3'
Protein context (NP_001894.2, residues 410-430): NGNEKEVKEY[Ala420Asp]QVFREHANKL

ClinVar aggregate classification (germline): Uncertain significance. Review status: criteria provided, multiple submitters, no conflicts (2 of 4 stars). 2 submissions from 2 submitters: Uncertain significance (2). Last evaluated 2024-12-08.

Conditions:
Hereditary cancer-predisposing syndrome. Also called: Neoplastic Syndromes, Hereditary; Tumor predisposition; Hereditary Cancer Syndrome; Hereditary neoplastic syndrome. Identifiers: Orphanet 140162, MedGen C0027672, MeSH D009386, MONDO:0015356.

Submissions (2):

Ambry Genetics
Classification: Uncertain significance for Hereditary cancer-predisposing syndrome. Last evaluated: 2024-12-08. Review status: criteria provided, single submitter. Criteria: Ambry Variant Classification Scheme 2023. Collection method: clinical testing. Allele origin: germline.
Comment: The p.A420D variant (also known as c.1259C>A), located in coding exon 8 of the CTNNA1 gene, results from a C to A substitution at nucleotide position 1259. The alanine at codon 420 is replaced by aspartic acid, an amino acid with dissimilar properties. This amino acid position is conserved. In addition, this alteration is predicted to be deleterious by in silico analysis. Based on the available evidence, the clinical significance of this variant remains unclear.

Labcorp Genetics (formerly Invitae), Labcorp
Classification: Uncertain significance. Last evaluated: 2022-12-10. Review status: criteria provided, single submitter. Criteria: Invitae Variant Classification Sherloc (09022015). Collection method: clinical testing. Allele origin: germline.
Comment: This sequence change replaces alanine, which is neutral and non-polar, with aspartic acid, which is acidic and polar, at codon 420 of the CTNNA1 protein (p.Ala420Asp). In summary, the available evidence is currently insufficient to determine the role of this variant in disease. Therefore, it has been classified as a Variant of Uncertain Significance. Advanced modeling of protein sequence and biophysical properties (such as structural, functional, and spatial information, amino acid conservation, physicochemical variation, residue mobility, and thermodynamic stability) performed at Invitae indicates that this missense variant is not expected to disrupt CTNNA1 protein function. This variant has not been reported in the literature in individuals affected with CTNNA1-related conditions. This variant is not present in population databases (gnomAD no frequency).